The following is an entry in ClinVar:

NM_001367624.2(ZNF469):c.10097_10105del (p.Leu3366_Pro3368del)

Genes: ZNF469 (zinc finger protein 469; plus strand), LOC130059719 (ATAC-STARR-seq lymphoblastoid silent region 7848; plus strand). Cytogenetic location: 16q24.2.
Variant type: Deletion.
Coding change: c.10097_10105del on transcript NM_001367624.2 (MANE Select); coding-DNA positions 10097 to 10105, 9 bases deleted (TGTGCCCCC; older notation c.10097_10105delTGTGCCCCC).
Protein change: p.Leu3366_Pro3368del.
Molecular consequence: inframe deletion.
Genome position (GRCh38, 1-based): chr16:88,437,567-88,437,575, TGTGCCCCC deleted; deleting any 9 consecutive bases within chr16:88,437,565-88,437,575 gives the same sequence; the c. name uses the placement nearest the transcript's 3' end. VCF-style (leftmost placement, unchanged base first): chr16-88437564-ACCTGTGCCC-A. GRCh37 (hg19) VCF-style: chr16-88503972-ACCTGTGCCC-A.
Identifiers: ClinVar variation 1298673 (VCV001298673.36), dbSNP rs889683822, ClinGen allele CA286386106.

ClinVar aggregate classification (germline): Uncertain significance. Review status: criteria provided, multiple submitters, no conflicts (2 of 4 stars). 2 submissions from 2 submitters: Uncertain significance (2). Last evaluated 2022-03-06.

Submissions (2):

Labcorp Genetics (formerly Invitae), Labcorp
Classification: Uncertain significance. Last evaluated: 2022-03-06. Review status: criteria provided, single submitter. Criteria: Invitae Variant Classification Sherloc (09022015). Collection method: clinical testing. Allele origin: germline.
Comment: This variant, c.10013_10021del, results in the deletion of 3 amino acid(s) of the ZNF469 protein (p.Leu3338_Pro3340del), but otherwise preserves the integrity of the reading frame. This variant is not present in population databases (gnomAD no frequency). This variant has not been reported in the literature in individuals affected with ZNF469-related conditions. ClinVar contains an entry for this variant (Variation ID: 1298673). In summary, the available evidence is currently insufficient to determine the role of this variant in disease. Therefore, it has been classified as a Variant of Uncertain Significance.

CeGaT Center for Human Genetics Tuebingen
Classification: Uncertain significance. Last evaluated: 2021-09-01. Review status: criteria provided, single submitter. Criteria: CeGaT Center For Human Genetics Tuebingen Variant Classification Criteria Version 2. Collection method: clinical testing. Allele origin: germline. Affected: yes. Observed: 1 variant allele.